The following is an entry in ClinVar:

ClinVar aggregate classification (germline): Uncertain significance. Review status: criteria provided, multiple submitters, no conflicts (2 of 4 stars). 3 submissions from 3 submitters: Uncertain significance (3). Last evaluated 2026-07-31.

Conditions:
Familial melanoma. Also called: Hereditary melanoma; Hereditary cutaneous melanoma. Identifiers: Orphanet 618, MedGen C1512419, MONDO:0018961.
Hereditary cancer-predisposing syndrome. Also called: Tumor predisposition; Hereditary Cancer Syndrome; Neoplastic Syndromes, Hereditary; Hereditary neoplastic syndrome. Identifiers: Orphanet 140162, MedGen C0027672, MeSH D009386, MONDO:0015356.

Submissions (3):

Ambry Genetics
Classification: Uncertain significance for Hereditary cancer-predisposing syndrome. Last evaluated: 2026-07-31. Review status: criteria provided, single submitter. Criteria: Ambry Variant Classification Scheme 2023. Collection method: clinical testing. Allele origin: germline.
Comment: The c.880dupT variant, located in coding exon 7 of the CDK4 gene, results from a duplication of T at nucleotide position 880, causing a translational frameshift with a predicted alternate stop codon (p.Y294Lfs*4). This variant occurs at the 3' terminus of the gene and is not expected to trigger nonsense-mediated mRNA decay. Based on the available evidence, the clinical significance of this variant remains unclear.

Quest Diagnostics Nichols Institute San Juan Capistrano
Classification: Uncertain significance. Last evaluated: 2022-11-11. Review status: criteria provided, single submitter. Criteria: Quest Diagnostics criteria. Collection method: clinical testing. Allele origin: unknown.
Comment: This frameshift variant alters the translational reading frame of the CDK4 mRNA and is predicted to cause the premature termination of CDK4 protein synthesis. The variant has not been reported in the published literature. It also has not been reported in large, multi-ethnic general populations. Based on the available information, we are unable to determine the clinical significance of this variant.

Labcorp Genetics (formerly Invitae), Labcorp
Classification: Uncertain significance for Familial melanoma. Last evaluated: 2022-07-21. Review status: criteria provided, single submitter. Criteria: Invitae Variant Classification Sherloc (09022015). Collection method: clinical testing. Allele origin: germline.
Comment: In summary, the available evidence is currently insufficient to determine the role of this variant in disease. Therefore, it has been classified as a Variant of Uncertain Significance. ClinVar contains an entry for this variant (Variation ID: 801143). This variant has not been reported in the literature in individuals affected with CDK4-related conditions. This variant is present in population databases (no rsID available, gnomAD 0.003%). This sequence change creates a premature translational stop signal (p.Tyr294Leufs*4) in the CDK4 gene. While this is not anticipated to result in nonsense mediated decay, it is expected to disrupt the last 10 amino acid(s) of the CDK4 protein.

NM_000075.4(CDK4):c.880dup (p.Tyr294fs)

Genes: CDK4 (cyclin dependent kinase 4; minus strand), TSPAN31 (tetraspanin 31; plus strand). Cytogenetic location: 12q14.1.
Variant type: Duplication.
Coding change: c.880dup on transcript NM_000075.4 (MANE Select); coding-DNA position 880, one base duplicated (T; older notation c.880dupT).
Protein change: p.Tyr294fs; shifts the reading frame from tyrosine 294.
Molecular consequence: frameshift variant. On other transcripts: 3 prime UTR variant (3).
Genome position (GRCh38, 1-based): chr12:57,748,557, A duplicated on the plus strand (T on the coding strand, the reverse complement: CDK4 is on the minus strand); the first of 2 consecutive A bases (chr12:57,748,557-57,748,558); duplicating either gives the same sequence. VCF-style (leftmost placement, unchanged base first): chr12-57748556-T-TA. GRCh37 (hg19) VCF-style: chr12-58142339-T-TA.
Other names: c.*1268dup (NM_001330168.2, NM_001330169.2, NM_005981.5); c.880dupT (NM_000075.3); short protein forms Y294fs.
Identifiers: ClinVar variation 801143 (VCV000801143.10), dbSNP rs1302362629, ClinGen allele CA605326699.